The following is an entry in ClinVar:

ClinVar aggregate classification (germline): Uncertain significance (1 of 4 stars; one submission).

Conditions:
Glycogen storage disease, type V (GSD5). Also called: MCARDLE DISEASE; MUSCLE GLYCOGEN PHOSPHORYLASE DEFICIENCY; MYOPHOSPHORYLASE DEFICIENCY; PYGM DEFICIENCY; McArdle type glycogen storage disease. Identifiers: Orphanet 368, MedGen C0017924, MONDO:0009293, OMIM 232600.

Submission:

Labcorp Genetics (formerly Invitae), Labcorp
Classification: Uncertain significance for Glycogen storage disease, type V. Last evaluated: 2024-04-25. Review status: criteria provided, single submitter. Criteria: Invitae Variant Classification Sherloc (09022015). Collection method: clinical testing. Allele origin: germline.
Comment: This sequence change replaces methionine, which is neutral and non-polar, with arginine, which is basic and polar, at codon 100 of the PYGM protein (p.Met100Arg). This variant is present in population databases (no rsID available, gnomAD 0.07%). This variant has not been reported in the literature in individuals affected with PYGM-related conditions. Advanced modeling of protein sequence and biophysical properties (such as structural, functional, and spatial information, amino acid conservation, physicochemical variation, residue mobility, and thermodynamic stability) performed at Invitae indicates that this missense variant is expected to disrupt PYGM protein function with a positive predictive value of 95%. In summary, the available evidence is currently insufficient to determine the role of this variant in disease. Therefore, it has been classified as a Variant of Uncertain Significance.

NM_005609.4(PYGM):c.299T>G (p.Met100Arg)

Gene: PYGM (glycogen phosphorylase, muscle associated; minus strand). Cytogenetic location: 11q13.1.
Variant type: single nucleotide variant.
Coding change: c.299T>G on transcript NM_005609.4 (MANE Select); coding-DNA position 299, T replaced by G.
Protein change: p.Met100Arg; replaces methionine 100 with arginine.
Molecular consequence: missense variant. On other transcripts: intron variant (1).
Genome position (GRCh38, 1-based): chr11:64,758,649, A>C on the plus strand (T>G on the coding strand, the complement: PYGM is on the minus strand). VCF-style: chr11-64758649-A-C. GRCh37 (hg19) VCF-style: chr11-64526121-A-C.
Other names: c.244-383T>G (NM_001164716.1); short protein forms M100R.
Identifiers: ClinVar variation 3683237 (VCV003683237.2).